The following is an entry in ClinVar:

ClinVar aggregate classification (germline): Conflicting classifications of pathogenicity. Review status: criteria provided, conflicting classifications (1 of 4 stars). 4 submissions from 4 submitters: Uncertain significance (3); Likely benign (1). Last evaluated 2025-09-04.

Conditions:
Hereditary cancer-predisposing syndrome. Also called: Hereditary neoplastic syndrome; Hereditary Cancer Syndrome; Neoplastic Syndromes, Hereditary; Tumor predisposition. Identifiers: Orphanet 140162, MedGen C0027672, MeSH D009386, MONDO:0015356.
Intellectual disability, autosomal dominant 16 (CSS4). Also called: COFFIN-SIRIS SYNDROME 4. Identifiers: Orphanet 1465, MedGen C3553249, MONDO:0013821, OMIM 614609.
Rhabdoid tumor predisposition syndrome 2 (RTPS2). Identifiers: Orphanet 231108, Orphanet 69077, MedGen C2750074, MONDO:0013224, OMIM 613325.

Allele frequency attached by ClinVar (database versions not stated): gnomAD 0.00001; TOPMed 0.00001.
gnomAD v4.1: 1 of 1,613,800 alleles (0.000062%); highest among the groups gnomAD compares: Non-Finnish European, 0.000085%; no homozygotes.

Submissions (4):

Labcorp Genetics (formerly Invitae), Labcorp
Classification: Uncertain significance for Rhabdoid tumor predisposition syndrome 2. Last evaluated: 2025-09-04. Review status: criteria provided, single submitter. Criteria: Invitae Variant Classification Sherloc (09022015). Collection method: clinical testing. Allele origin: germline.
Comment: This sequence change replaces valine, which is neutral and non-polar, with phenylalanine, which is neutral and non-polar, at codon 134 of the SMARCA4 protein (p.Val134Phe). This variant is not present in population databases (gnomAD no frequency). This variant has not been reported in the literature in individuals affected with SMARCA4-related conditions. ClinVar contains an entry for this variant (Variation ID: 377351). Invitae Evidence Modeling of protein sequence and biophysical properties (such as structural, functional, and spatial information, amino acid conservation, physicochemical variation, residue mobility, and thermodynamic stability) indicates that this missense variant is not expected to disrupt SMARCA4 protein function with a negative predictive value of 80%. In summary, the available evidence is currently insufficient to determine the role of this variant in disease. Therefore, it has been classified as a Variant of Uncertain Significance.

Ambry Genetics
Classification: Likely benign for Hereditary cancer-predisposing syndrome. Last evaluated: 2022-03-30. Review status: criteria provided, single submitter. Criteria: Ambry Variant Classification Scheme 2023. Collection method: clinical testing. Allele origin: germline.

Genome-Nilou Lab
Classification: Uncertain significance for Intellectual disability, autosomal dominant 16. Last evaluated: 2021-07-15. Review status: criteria provided, single submitter. Criteria: ACMG Guidelines, 2015. Collection method: clinical testing. Allele origin: germline. Affected: no.

Center for Pediatric Genomic Medicine, Children's Mercy Hospital and Clinics
Classification: Uncertain significance. Last evaluated: 2016-11-21. Review status: criteria provided, single submitter. Criteria: ACMG Guidelines, 2015. Collection method: clinical testing. Allele origin: germline.
ClinVar note: Converted during submission from Uncertain Significance to Uncertain significance.

NM_003072.5(SMARCA4):c.400G>T (p.Val134Phe)

Gene: SMARCA4 (SWI/SNF related BAF chromatin remodeling complex subunit ATPase 4; plus strand). Cytogenetic location: 19p13.2.
Variant type: single nucleotide variant.
Coding change: c.400G>T on transcript NM_003072.5 (MANE Select); coding-DNA position 400, G replaced by T.
Protein change: p.Val134Phe; replaces valine 134 with phenylalanine.
Molecular consequence: missense variant. On other transcripts: non-coding transcript variant (1).
Genome position (GRCh38, 1-based): chr19:10,986,233, G>T. VCF-style: chr19-10986233-G-T. GRCh37 (hg19) VCF-style: chr19-11096909-G-T.
Other names: c.400G>T, p.Val134Phe (NM_001128844.3, NM_001128845.2, NM_001128846.2 and 5 more transcripts); short protein forms V134F.
Identifiers: ClinVar variation 377351 (VCV000377351.15), dbSNP rs1057520203, ClinGen allele CA16603351.